The following is an entry in ClinVar:

NM_000406.3(GNRHR):c.120G>A (p.Thr40=)

Gene: GNRHR (gonadotropin releasing hormone receptor; minus strand). Cytogenetic location: 4q13.2.
Variant type: single nucleotide variant.
Coding change: c.120G>A on transcript NM_000406.3 (MANE Select); coding-DNA position 120, G replaced by A.
Protein change: p.Thr40=; no amino-acid change (threonine 40 retained).
Molecular consequence: synonymous variant.
Genome position (GRCh38, 1-based): chr4:67,754,216, C>T on the plus strand (G>A on the coding strand, the complement: GNRHR is on the minus strand). VCF-style: chr4-67754216-C-T. GRCh37 (hg19) VCF-style: chr4-68619934-C-T.
Other names: c.120G>A, p.Thr40= (NM_001012763.2).
Identifiers: ClinVar variation 3057312 (VCV003057312.2), dbSNP rs144227203, ClinGen allele CA2938994.

ClinVar aggregate classification (germline): Likely benign (0 of 4 stars; one submission).

Conditions:
GNRHR-related disorder. Also called: GNRHR-related condition.

Allele frequency attached by ClinVar (database versions not stated): TOPMed 0.00005; ESP Exome Variant Server 0.00008; ExAC 0.00009; 1000 Genomes Project 30x 0.00016; 1000 Genomes Project 0.00020; gnomAD exomes 0.00024.
gnomAD v4.1: 345 of 1,614,010 alleles (0.021%); highest among the groups gnomAD compares: Non-Finnish European, 0.028%; no homozygotes.

Submission:

PreventionGenetics, part of Exact Sciences
Classification: Likely benign for GNRHR-related condition. Last evaluated: 2019-03-13. Review status: no assertion criteria provided. Collection method: clinical testing. Allele origin: germline.
Comment: This variant is classified as likely benign based on ACMG/AMP sequence variant interpretation guidelines (Richards et al. 2015 PMID: 25741868, with internal and published modifications).